The following is an entry in ClinVar:

ClinVar aggregate classification (germline): Uncertain significance. Review status: criteria provided, multiple submitters, no conflicts (2 of 4 stars). 3 submissions from 3 submitters: Uncertain significance (3). Last evaluated 2025-10-01.

Conditions:
Multiple endocrine neoplasia type 4. Also called: MULTIPLE ENDOCRINE NEOPLASIA, TYPE IV. Identifiers: Orphanet 276152, MedGen C1970712, MONDO:0012552, OMIM 610755.
Hereditary cancer-predisposing syndrome. Also called: Hereditary neoplastic syndrome; Tumor predisposition; Neoplastic Syndromes, Hereditary; Hereditary Cancer Syndrome. Identifiers: Orphanet 140162, MedGen C0027672, MeSH D009386, MONDO:0015356.

Submissions (3):

Labcorp Genetics (formerly Invitae), Labcorp
Classification: Uncertain significance for Multiple endocrine neoplasia type 4. Last evaluated: 2025-10-01. Review status: criteria provided, single submitter. Criteria: Invitae Variant Classification Sherloc (09022015). Collection method: clinical testing. Allele origin: germline.
Comment: This sequence change replaces glutamine, which is neutral and polar, with arginine, which is basic and polar, at codon 197 of the CDKN1B protein (p.Gln197Arg). This variant is not present in population databases (gnomAD no frequency). This variant has not been reported in the literature in individuals affected with CDKN1B-related conditions. ClinVar contains an entry for this variant (Variation ID: 949969). An algorithm developed to predict the effect of missense changes on protein structure and function (PolyPhen-2) suggests that this variant is likely to be disruptive. In summary, the available evidence is currently insufficient to determine the role of this variant in disease. Therefore, it has been classified as a Variant of Uncertain Significance.

Ambry Genetics
Classification: Uncertain significance for Hereditary cancer-predisposing syndrome. Last evaluated: 2025-08-07. Review status: criteria provided, single submitter. Criteria: Ambry Variant Classification Scheme 2023. Collection method: clinical testing. Allele origin: germline.
Comment: The p.Q197R variant (also known as c.590A>G), located in coding exon 2 of the CDKN1B gene, results from an A to G substitution at nucleotide position 590. The glutamine at codon 197 is replaced by arginine, an amino acid with highly similar properties. This amino acid position is highly conserved in available vertebrate species. In addition, the in silico prediction for this alteration is inconclusive. Since supporting evidence is limited at this time, the clinical significance of this alteration remains unclear.

Sema4
Classification: Uncertain significance for Hereditary cancer-predisposing syndrome. Last evaluated: 2021-06-03. Review status: criteria provided, single submitter. Criteria: Sema4 Curation Guidelines. Collection method: curation. Allele origin: germline.
Comment: The CDKN1B c.590A>G (p.Q197R) variant has not been reported in the literature to our knowledge. It was not observed in the large and broad cohorts of the Genome Aggregation Database (PMID: 32461654). The variant has been reported in ClinVar (Variation ID 949969). In silico tools suggest the impact of the variant on protein function is inconclusive, though these predictions have not been confirmed by functional studies. The evidence is insufficient to meet ACMG/AMP criteria for classifying the variant as benign or pathogenic. Thus, the clinical significance of this variant is currently uncertain.

NM_004064.5(CDKN1B):c.590A>G (p.Gln197Arg)

Gene: CDKN1B (cyclin dependent kinase inhibitor 1B; plus strand). Cytogenetic location: 12p13.1.
Variant type: single nucleotide variant.
Coding change: c.590A>G on transcript NM_004064.5 (MANE Select); coding-DNA position 590, A replaced by G.
Protein change: p.Gln197Arg; replaces glutamine 197 with arginine.
Molecular consequence: missense variant.
Genome position (GRCh38, 1-based): chr12:12,718,939, A>G. VCF-style: chr12-12718939-A-G. GRCh37 (hg19) VCF-style: chr12-12871873-A-G.
Other names: short protein forms Q197R.
Identifiers: ClinVar variation 949969 (VCV000949969.14), dbSNP rs1946513852, ClinGen allele CA383973224.
Genomic context (GRCh38, chr12:12,718,939, plus strand): 5'-GTTCCCCAAATGCCGGTTCTGTGGAGCAGACGCCCAAGAAGCCTGGCCTCAGAAGACGTC[A>G]AACGTAAACAGCTCGGTGGGTTGATCACTAAAGGAGCACGCACTGGAACCCGGGGCCTTC-3'
Protein context (NP_004055.1, residues 187-198): TPKKPGLRRR[Gln197Arg]T